The following is an entry in ClinVar:

NM_006231.4(POLE):c.97A>G (p.Lys33Glu)

Gene: POLE (DNA polymerase epsilon, catalytic subunit; minus strand). Cytogenetic location: 12q24.33.
Variant type: single nucleotide variant.
Coding change: c.97A>G on transcript NM_006231.4 (MANE Select); coding-DNA position 97, A replaced by G.
Protein change: p.Lys33Glu; replaces lysine 33 with glutamic acid.
Molecular consequence: missense variant.
Genome position (GRCh38, 1-based): chr12:132,681,245, T>C on the plus strand (A>G on the coding strand, the complement: POLE is on the minus strand). VCF-style: chr12-132681245-T-C. GRCh37 (hg19) VCF-style: chr12-133257831-T-C.
Other names: short protein forms K33E.
Identifiers: ClinVar variation 1354779 (VCV001354779.8), dbSNP rs2136034673, ClinGen allele CA387370500.

ClinVar aggregate classification (germline): Uncertain significance (1 of 4 stars; one submission).

Submission:

Labcorp Genetics (formerly Invitae), Labcorp
Classification: Uncertain significance. Last evaluated: 2021-05-18. Review status: criteria provided, single submitter. Criteria: Invitae Variant Classification Sherloc (09022015). Collection method: clinical testing. Allele origin: germline.
Comment: This variant has not been reported in the literature in individuals with POLE-related conditions. This variant is not present in population databases (ExAC no frequency). This sequence change replaces lysine with glutamic acid at codon 33 of the POLE protein (p.Lys33Glu). The lysine residue is moderately conserved and there is a small physicochemical difference between lysine and glutamic acid. Algorithms developed to predict the effect of missense changes on protein structure and function (SIFT, PolyPhen-2, Align-GVGD) all suggest that this variant is likely to be tolerated, but these predictions have not been confirmed by published functional studies and their clinical significance is uncertain. In summary, the available evidence is currently insufficient to determine the role of this variant in disease. Therefore, it has been classified as a Variant of Uncertain Significance.